The following is an entry in ClinVar:

NM_000053.4(ATP7B):c.3891C>T (p.Val1297=)

Gene: ATP7B (ATPase copper transporting beta; minus strand). Cytogenetic location: 13q14.3.
Variant type: single nucleotide variant.
Coding change: c.3891C>T on transcript NM_000053.4 (MANE Select); coding-DNA position 3891, C replaced by T.
Protein change: p.Val1297=; no amino-acid change (valine 1297 retained).
Molecular consequence: synonymous variant.
Genome position (GRCh38, 1-based): chr13:51,937,488, G>A on the plus strand (C>T on the coding strand, the complement: ATP7B is on the minus strand). VCF-style: chr13-51937488-G-A. GRCh37 (hg19) VCF-style: chr13-52511624-G-A.
Other names: p.Val1297=; c.3270C>T, p.Val1090= (NM_001005918.3); c.3558C>T, p.Val1186= (NM_001243182.2); c.3657C>T, p.Val1219= (NM_001330578.2); c.3639C>T, p.Val1213= (NM_001330579.2).
Identifiers: ClinVar variation 157954 (VCV000157954.38), dbSNP rs114771537, ClinGen allele CA171324.
Genomic context (GRCh38, chr13:51,937,488, plus strand): 5'-TGCCCATTGCCCTCCCAGCACCCACAGCCTGGCTGCAGCCACGCTCACTCTGATAAGGAC[G>A]ACGTCGGCTGCCTCGATGGCCACATCCGTGCCGGTGCCAATGGCCACACCCATGTCTGCC-3'
Protein context (NP_000044.2, residues 1287-1307): GTDVAIEAAD[Val1297=]VLIRNDLLDV

ClinVar aggregate classification (germline): Benign/Likely benign. Review status: criteria provided, multiple submitters, no conflicts (2 of 4 stars). 14 submissions from 14 submitters: Benign (8); Likely benign (2). 4 of the submissions do not count toward it. Last evaluated 2026-02-04.

Conditions:
Wilson disease (WND). Also called: Wilson's disease. Identifiers: Orphanet 905, MedGen C0019202, MONDO:0010200, OMIM 277900. Disease mechanism: loss of function.
ATP7B-related disorder. Also called: ATP7B-related condition.

Allele frequency attached by ClinVar (database versions not stated): gnomAD exomes 0.00101 and 0.00257; ExAC 0.00288; gnomAD 0.00995 and 0.01071; ESP Exome Variant Server 0.01106; TOPMed 0.01129; 1000 Genomes Project 0.01178; 1000 Genomes Project 30x 0.01234.
gnomAD v4.1: 3,071 of 1,614,064 alleles (0.19%); highest among the groups gnomAD compares: African/African-American, 3.5%; 52 homozygotes.

Submissions (14):

Labcorp Genetics (formerly Invitae), Labcorp
Classification: Benign for Wilson disease. Last evaluated: 2026-02-04. Review status: criteria provided, single submitter. Criteria: Invitae Variant Classification Sherloc (09022015). Collection method: clinical testing. Allele origin: germline.

Mayo Clinic Laboratories, Mayo Clinic
Classification: Benign. Last evaluated: 2025-09-30. Review status: criteria provided, single submitter. Criteria: ACMG Guidelines, 2015. Collection method: clinical testing. Allele origin: germline. Observed: 13 variant alleles.
Comment: BS1, BS2, BP4, BP7

All of Us Research Program, National Institutes of Health
Classification: Benign for Wilson disease. Last evaluated: 2024-02-05. Review status: criteria provided, single submitter. Criteria: ACMG Guidelines, 2015. Collection method: clinical testing. Allele origin: germline. Inheritance: Autosomal recessive inheritance. Observed: 586 variant alleles, 578 heterozygotes, 8 homozygotes.
Comment: This study involves interpretation of variants in research participants for the purpose of population health screening. Participant phenotype was not available at the time of variant classification. Additional details can be found in publication PMID: 35346344, PMCID: PMC8962531

ARUP Laboratories, Molecular Genetics and Genomics, ARUP Laboratories
Classification: Benign for Wilson disease. Last evaluated: 2023-11-22. Review status: criteria provided, single submitter. Criteria: ARUP Molecular Germline Variant Investigation Process 2024. Collection method: clinical testing. Allele origin: germline.

Color Diagnostics, LLC DBA Color Health
Classification: Benign for Wilson disease. Last evaluated: 2022-08-05. Review status: criteria provided, single submitter. Criteria: ACMG Guidelines, 2015. Collection method: clinical testing. Allele origin: germline.

Illumina Laboratory Services, Illumina
Classification: Likely benign for Wilson disease. Last evaluated: 2018-01-13. Review status: criteria provided, single submitter. Criteria: ICSL Variant Classification Criteria 13 December 2019. Collection method: clinical testing. Allele origin: germline.
Comment: This variant was observed in the ICSL laboratory as part of a predisposition screen in an ostensibly healthy population. It had not been previously curated by ICSL or reported in the Human Gene Mutation Database (HGMD: prior to June 1st, 2018), and was therefore a candidate for classification through an automated scoring system. Utilizing variant allele frequency, disease prevalence and penetrance estimates, and inheritance mode, an automated score was calculated to assess if this variant is too frequent to cause the disease. Based on the score and internal cut-off values, a variant classified as likely benign is not then subjected to further curation. The score for this variant resulted in a classification of likely benign for this disease.

Women's Health and Genetics/Laboratory Corporation of America, LabCorp
Classification: Benign. Last evaluated: 2017-02-03. Review status: criteria provided, single submitter. Criteria: LabCorp Variant Classification Summary - May 2015. Collection method: clinical testing. Allele origin: germline.
Comment: Variant summary: The ATP7B c.3891C>T (p.Val1297Val) variant involves the alteration of a non-conserved nucleotide, resulting in a synonymous change. One in silico tool predicts a damaging outcome for this variant. 5/5 splice prediction tools predict the strenghtening of a canonical splice acceptor site. However, these predictions have yet to be confirmed by functional studies. This variant was found in 348/120764 control chromosomes (3 homozygotes), predominantly observed in the African subpopulation at a frequency of 0.032967 (324/9828). This frequency is about 6 times the estimated maximal expected allele frequency of a pathogenic ATP7B variant (0.0054006), suggesting this is likely a benign polymorphism found primarily in the populations of African origin. In addition, multiple clinical diagnostic laboratories/reputable databases classified this variant as benign/likley benign. The variant of interest has not, to our knowledge, been reported in affected individuals via publications nor evaluated for functional impact by in vivo/vitro studies. Taken together, due to the synonymous nature of the variant, the lack of predicted detrimental effect on splicing, and the relatively high frequency in the population, this variant is classified as benign.

GeneDx
Classification: Benign. Last evaluated: 2016-12-12. Review status: criteria provided, single submitter. Criteria: GeneDx Variant Classification (06012015). Collection method: clinical testing. Allele origin: germline. Affected: yes.
Comment: This variant is considered likely benign or benign based on one or more of the following criteria: it is a conservative change, it occurs at a poorly conserved position in the protein, it is predicted to be benign by multiple in silico algorithms, and/or has population frequency not consistent with disease.

Genetic Services Laboratory, University of Chicago
Classification: Benign. Last evaluated: 2014-05-23. Review status: criteria provided, single submitter. Criteria: ACMG Guidelines, 2015. Collection method: clinical testing. Allele origin: germline. Inheritance: Autosomal recessive inheritance.

Breakthrough Genomics
Classification: Likely benign. Review status: criteria provided, single submitter. Criteria: ACMG Guidelines, 2015. Collection method: not provided. Allele origin: germline. Inheritance: Autosomal recessive inheritance. Affected: yes.

PreventionGenetics, part of Exact Sciences
Classification: Benign for ATP7B-related condition. Last evaluated: 2021-09-01. Review status: no assertion criteria provided. Collection method: clinical testing. Allele origin: germline. Not counted in ClinVar's aggregate classification.
Comment: This variant is classified as benign based on ACMG/AMP sequence variant interpretation guidelines (Richards et al. 2015 PMID: 25741868, with internal and published modifications).

Natera, Inc.
Classification: Benign for Wilson disease. Last evaluated: 2020-09-16. Review status: no assertion criteria provided. Collection method: clinical testing. Allele origin: germline. Not counted in ClinVar's aggregate classification.

Clinical Genetics, Academic Medical Center
Classification: Benign. Review status: no assertion criteria provided. Collection method: clinical testing. Allele origin: germline. Affected: yes. Study: VKGL Data-share Consensus. Not counted in ClinVar's aggregate classification.

Genome Diagnostics Laboratory, Amsterdam University Medical Center
Classification: Likely benign. Review status: no assertion criteria provided. Collection method: clinical testing. Allele origin: germline. Affected: yes. Study: VKGL Data-share Consensus. Not counted in ClinVar's aggregate classification.